The following is an entry in ClinVar:

NM_003737.4(DCHS1):c.6896C>G (p.Thr2299Arg)

Gene: DCHS1 (dachsous cadherin-related 1; minus strand). Cytogenetic location: 11p15.4.
Variant type: single nucleotide variant.
Coding change: c.6896C>G on transcript NM_003737.4 (MANE Select); coding-DNA position 6896, C replaced by G.
Protein change: p.Thr2299Arg; replaces threonine 2299 with arginine.
Molecular consequence: missense variant.
Genome position (GRCh38, 1-based): chr11:6,625,448, G>C on the plus strand (C>G on the coding strand, the complement: DCHS1 is on the minus strand). VCF-style: chr11-6625448-G-C. GRCh37 (hg19) VCF-style: chr11-6646679-G-C.
Other names: short protein forms T2299R.
Identifiers: ClinVar variation 1944981 (VCV001944981.5), dbSNP rs1445482805, ClinGen allele CA379484232.

ClinVar aggregate classification (germline): Uncertain significance (1 of 4 stars; one submission).

Allele frequency attached by ClinVar (database versions not stated): gnomAD exomes below 0.00001.
gnomAD v4.1: 3 of 1,602,180 alleles (0.00019%); highest among the groups gnomAD compares: South Asian, 0.0033%; no homozygotes.

Submission:

Labcorp Genetics (formerly Invitae), Labcorp
Classification: Uncertain significance. Last evaluated: 2022-07-14. Review status: criteria provided, single submitter. Criteria: Invitae Variant Classification Sherloc (09022015). Collection method: clinical testing. Allele origin: germline.
Comment: This sequence change replaces threonine, which is neutral and polar, with arginine, which is basic and polar, at codon 2299 of the DCHS1 protein (p.Thr2299Arg). This variant is present in population databases (no rsID available, gnomAD 0.003%). This variant has not been reported in the literature in individuals affected with DCHS1-related conditions. Advanced modeling of protein sequence and biophysical properties (such as structural, functional, and spatial information, amino acid conservation, physicochemical variation, residue mobility, and thermodynamic stability) performed at Invitae indicates that this missense variant is not expected to disrupt DCHS1 protein function. In summary, the available evidence is currently insufficient to determine the role of this variant in disease. Therefore, it has been classified as a Variant of Uncertain Significance.